The following is an entry in ClinVar:

NM_006393.3(NEBL):c.2190T>C (p.Ser730=)

Gene: NEBL (nebulette; minus strand). Cytogenetic location: 10p12.31.
Variant type: single nucleotide variant.
Coding change: c.2190T>C on transcript NM_006393.3 (MANE Select); coding-DNA position 2190, T replaced by C.
Protein change: p.Ser730=; no amino-acid change (serine 730 retained).
Molecular consequence: synonymous variant. On other transcripts: intron variant (9).
Genome position (GRCh38, 1-based): chr10:20,815,676, A>G on the plus strand (T>C on the coding strand, the complement: NEBL is on the minus strand). VCF-style: chr10-20815676-A-G. GRCh37 (hg19) VCF-style: chr10-21104605-A-G.
Other names: c.250-2736T>C (NM_001377326.1, NM_001377327.1, NM_001377328.1); c.358-2736T>C (NM_213569.2, NM_001173484.2, NM_001377322.1); c.301-2736T>C (NM_001377324.1); c.292-2736T>C (NM_001377325.1); c.310-2736T>C (NM_001377323.1).
Identifiers: ClinVar variation 1118321 (VCV001118321.12), dbSNP rs371975934, ClinGen allele CA5432570.

ClinVar aggregate classification (germline): Likely benign. Review status: criteria provided, multiple submitters, no conflicts (2 of 4 stars). 3 submissions from 3 submitters: Likely benign (3). Last evaluated 2026-02-02.

Conditions:
Primary dilated cardiomyopathy (DCM). Also called: Dilated Cardiomyopathy. Identifiers: Orphanet 217604, MedGen C0007193, MeSH D002311, MONDO:0005021, HP:0001644. Inheritance: Various modes of inheritance.
NEBL-related disorder. Also called: NEBL-related condition.

Allele frequency attached by ClinVar (database versions not stated): gnomAD 0.00004 and 0.00005; TOPMed 0.00004; gnomAD exomes 0.00006 and 0.00008; ExAC 0.00007; ESP Exome Variant Server 0.00023.
gnomAD v4.1: 129 of 1,612,838 alleles (0.008%); highest among the groups gnomAD compares: Non-Finnish European, 0.01%; 1 homozygote.

Submissions (3):

PreventionGenetics, part of Exact Sciences
Classification: Likely benign for NEBL-related condition. Last evaluated: 2026-02-02. Review status: criteria provided, single submitter. Criteria: ACMG Guidelines, 2015. Collection method: clinical testing. Allele origin: germline.
Comment: This variant is classified as likely benign based on ACMG/AMP sequence variant interpretation guidelines (Richards et al. 2015 PMID: 25741868, with internal and published modifications).

Labcorp Genetics (formerly Invitae), Labcorp
Classification: Likely benign for Primary dilated cardiomyopathy. Last evaluated: 2023-12-15. Review status: criteria provided, single submitter. Criteria: Invitae Variant Classification Sherloc (09022015). Collection method: clinical testing. Allele origin: germline.

Ambry Genetics
Classification: Likely benign. Last evaluated: 2022-04-21. Review status: criteria provided, single submitter. Criteria: Ambry Variant Classification Scheme 2023. Collection method: clinical testing. Allele origin: germline.